The following is an entry in ClinVar:

ClinVar aggregate classification (germline): Conflicting classifications of pathogenicity. Review status: criteria provided, conflicting classifications (1 of 4 stars). 3 submissions from 3 submitters: Uncertain significance (2); Likely benign (1). Last evaluated 2024-12-02.

Conditions:
Inborn genetic diseases. Identifiers: MedGen C0950123, MeSH D030342.

Allele frequency attached by ClinVar (database versions not stated): gnomAD 0.00004; TOPMed 0.00006; gnomAD exomes 0.00008 and 0.00014; ExAC 0.00011.
gnomAD v4.1: 117 of 1,612,230 alleles (0.0073%); highest among the groups gnomAD compares: Middle Eastern, 0.2%; no homozygotes.

Submissions (3):

Labcorp Genetics (formerly Invitae), Labcorp
Classification: Uncertain significance. Last evaluated: 2024-12-02. Review status: criteria provided, single submitter. Criteria: Invitae Variant Classification Sherloc (09022015). Collection method: clinical testing. Allele origin: germline.
Comment: This sequence change replaces arginine, which is basic and polar, with glutamine, which is neutral and polar, at codon 653 of the RBP3 protein (p.Arg653Gln). This variant is present in population databases (rs782681548, gnomAD 0.09%). This variant has not been reported in the literature in individuals affected with RBP3-related conditions. ClinVar contains an entry for this variant (Variation ID: 849410). Invitae Evidence Modeling of protein sequence and biophysical properties (such as structural, functional, and spatial information, amino acid conservation, physicochemical variation, residue mobility, and thermodynamic stability) indicates that this missense variant is not expected to disrupt RBP3 protein function with a negative predictive value of 80%. In summary, the available evidence is currently insufficient to determine the role of this variant in disease. Therefore, it has been classified as a Variant of Uncertain Significance.

Ambry Genetics
Classification: Uncertain significance for Inborn genetic diseases. Last evaluated: 2024-02-06. Review status: criteria provided, single submitter. Criteria: Ambry Variant Classification Scheme 2023. Collection method: clinical testing. Allele origin: germline.

Blueprint Genetics
Classification: Likely benign. Last evaluated: 2024-01-03. Review status: criteria provided, single submitter. Criteria: ACMG Guidelines, 2015. Collection method: clinical testing. Allele origin: germline.

NM_002900.3(RBP3):c.1958G>A (p.Arg653Gln)

Gene: RBP3 (retinol binding protein 3; plus strand). Cytogenetic location: 10q11.22.
Variant type: single nucleotide variant.
Coding change: c.1958G>A on transcript NM_002900.3 (MANE Select); coding-DNA position 1958, G replaced by A.
Protein change: p.Arg653Gln; replaces arginine 653 with glutamine.
Molecular consequence: missense variant.
Genome position (GRCh38, 1-based): chr10:47,350,442, G>A. VCF-style: chr10-47350442-G-A. GRCh37 (hg19) VCF-style: chr10-48388920-C-T.
Other names: short protein forms R653Q.
Identifiers: ClinVar variation 849410 (VCV000849410.7), dbSNP rs782681548, ClinGen allele CA5487388.